The following is an entry in ClinVar:

NM_000090.4(COL3A1):c.4087C>T (p.Arg1363Ter)

Gene: COL3A1 (collagen type III alpha 1 chain; plus strand). Cytogenetic location: 2q32.2.
Variant type: single nucleotide variant.
Coding change: c.4087C>T on transcript NM_000090.4 (MANE Select); coding-DNA position 4087, C replaced by T.
Protein change: p.Arg1363Ter; replaces arginine 1363 with a stop codon.
Molecular consequence: nonsense.
Genome position (GRCh38, 1-based): chr2:189,010,723, C>T. VCF-style: chr2-189010723-C-T. GRCh37 (hg19) VCF-style: chr2-189875449-C-T.
Other names: p.R1363*:CGA>TGA; p.Arg1363*; short protein forms R1363*.
Identifiers: ClinVar variation 199753 (VCV000199753.11), dbSNP rs794728060, ClinGen allele CA006824.

ClinVar aggregate classification (germline): Pathogenic/Likely pathogenic. Review status: criteria provided, multiple submitters, no conflicts (2 of 4 stars). 7 submissions from 7 submitters: Pathogenic (5); Likely pathogenic (2). Last evaluated 2026-01-06.

Conditions:
Familial thoracic aortic aneurysm and aortic dissection (TAAD). Also called: Thoracic aortic aneurysms and dissections. Identifiers: Orphanet 91387, MedGen C4707243, MONDO:0019625.
Familial aortopathy. Identifiers: MedGen CN078214.
Ehlers-Danlos syndrome, type 4 (EDSVASC). Also called: Ehlers-Danlos syndrome vascular type; Ehlers Danlos syndrome, ecchymotic type; Ehlers Danlos syndrome, arterial type; Ehlers Danlos syndrome, Sack-Barabas type; Ehlers-Danlos Syndrome Type IV. Identifiers: Orphanet 286, MedGen C0268338, MONDO:0017314, OMIM 130050.

gnomAD v4.1: 3 of 1,614,112 alleles (0.00019%); highest among the groups gnomAD compares: Non-Finnish European, 0.00025%; no homozygotes.

Submissions (7):

Labcorp Genetics (formerly Invitae), Labcorp
Classification: Pathogenic for Ehlers-Danlos syndrome, type 4. Last evaluated: 2026-01-06. Review status: criteria provided, single submitter. Criteria: Invitae Variant Classification Sherloc (09022015). Collection method: clinical testing. Allele origin: germline.
Comment: This sequence change creates a premature translational stop signal (p.Arg1363*) in the COL3A1 gene. It is expected to result in an absent or disrupted protein product. Loss-of-function variants in COL3A1 are known to be pathogenic (PMID: 24922459). This variant is not present in population databases (gnomAD no frequency). This variant has not been reported in the literature in individuals affected with COL3A1-related conditions. ClinVar contains an entry for this variant (Variation ID: 199753). For these reasons, this variant has been classified as Pathogenic.

Ambry Genetics
Classification: Pathogenic for Familial thoracic aortic aneurysm and aortic dissection. Last evaluated: 2024-07-16. Review status: criteria provided, single submitter. Criteria: Ambry Variant Classification Scheme 2023. Collection method: clinical testing. Allele origin: germline.
Comment: The p.R1363* pathogenic mutation (also known as c.4087C>T), located in coding exon 50 of the COL3A1 gene, results from a C to T substitution at nucleotide position 4087. This changes the amino acid from an arginine to a stop codon within coding exon 50. This variant is considered to be rare based on population cohorts in the Genome Aggregation Database (gnomAD). This alteration is expected to result in loss of function by premature protein truncation or nonsense-mediated mRNA decay. As such, this alteration is interpreted as a disease-causing mutation.

Women's Health and Genetics/Laboratory Corporation of America, LabCorp
Classification: Pathogenic for Familial aortopathy. Last evaluated: 2023-11-06. Review status: criteria provided, single submitter. Criteria: LabCorp Variant Classification Summary - May 2015. Collection method: clinical testing. Allele origin: germline.
Comment: Variant summary: COL3A1 c.4087C>T (p.Arg1363X) results in a premature termination codon, predicted to cause a truncation of the encoded protein or absence of the protein due to nonsense mediated decay, which are commonly known mechanisms for disease. The variant was absent in 251148 control chromosomes. To our knowledge, no occurrence of c.4087C>T in individuals affected with Aortopathy and no experimental evidence demonstrating its impact on protein function have been reported. Four submitters have cited clinical-significance assessments for this variant to ClinVar after 2014. All submitters classified the variant as pathogenic/likely pathogenic. Based on the evidence outlined above, the variant was classified as pathogenic.

Mayo Clinic Laboratories, Mayo Clinic
Classification: Pathogenic. Last evaluated: 2022-06-07. Review status: criteria provided, single submitter. Criteria: ACMG Guidelines, 2015. Collection method: clinical testing. Allele origin: germline. Observed: 1 variant allele.
Comment: PM2, PVS1

Baylor Genetics
Classification: Likely pathogenic for Ehlers-Danlos syndrome, type 4. Last evaluated: 2022-01-03. Review status: criteria provided, single submitter. Criteria: ACMG Guidelines, 2015. Collection method: clinical testing. Allele origin: unknown.

Human Genome Sequencing Center Clinical Lab, Baylor College of Medicine
Classification: Likely pathogenic for Ehlers-Danlos syndrome, type 4. Last evaluated: 2017-04-12. Review status: criteria provided, single submitter. Criteria: ACMG Guidelines, 2015. Collection method: clinical testing. Allele origin: germline.
Comment: The c.4087C>T (p.Arg1363*) variant has not been detected in our patients database nor has been seen in the ExAC population database. However, this variant was reported in Clinvar (submission accession # SCV000233399.7) as pathogenic by Genedx. No patient information was available for this Clinvar entry. This variant is predicted to create a non sense variant and a premature stop codon at amino acid position 1363 of the COL3A1 protein. This variant is thus predicted to result in a loss of function of the protein. Loss of function variants have reduced penetrance compared to missense and splicing variants, and studies have shown that the phenotype seems to be limited almost entirely to vascular events [PMID 21637106]. This variant is thus classified as likely pathogenic.

GeneDx
Classification: Pathogenic. Last evaluated: 2016-08-10. Review status: criteria provided, single submitter. Criteria: GeneDx Variant Classification (06012015). Collection method: clinical testing. Allele origin: germline. Affected: yes.
Comment: TheR1363X variant in the COL3A1 gene has not been reported previously as a disease-causing variant nor as a benign polymorphism, to our knowledge. This variant is predicted to cause loss of normal protein function either through protein truncation or nonsense-mediated mRNA decay. The R1363X variant was not observed in approximately 6,500 individuals of European and African American ancestry in the NHLBI Exome Sequencing Project, indicating it is not a common benign variant in these populations. The R1363X variant is interpreted as a disease-causing variant

Literature cited by the submitters: PubMed 24922459 (cited by Labcorp Genetics (formerly Invitae), Labcorp); PubMed 31447099 (cited by Mayo Clinic Laboratories, Mayo Clinic).